The following is an entry in ClinVar:

GRCh37/hg19 2q35(chr2:218271898-219825640)

Genes: AAMP (angio associated migratory cell protein; minus strand), ARPC2 (actin related protein 2/3 complex subunit 2; plus strand), BCS1L (BCS1 homolog, ubiquinol-cytochrome c reductase complex chaperone; plus strand), CATIP (ciliogenesis associated TTC17 interacting protein; plus strand), CDK5R2 (cyclin dependent kinase 5 regulatory subunit 2; plus strand) and 23 more. Cytogenetic location: 2q35.
Variant type: copy number gain.
Identifiers: ClinVar variation 625776 (VCV000625776.1).

ClinVar aggregate classification (germline): Likely pathogenic (1 of 4 stars; one submission).

Submission:

Baylor Genetics
Classification: Likely pathogenic. Last evaluated: 2018-11-01. Review status: criteria provided, single submitter. Criteria: ACMG CNV Guidelines, 2011. Collection method: clinical testing. Allele origin: germline. Observed: 1 variant allele.